The following is an entry in ClinVar:

ClinVar aggregate classification (germline): Likely benign. Review status: criteria provided, multiple submitters, no conflicts (2 of 4 stars). 3 submissions from 3 submitters: Likely benign (2). 1 of the submissions does not count toward it. Last evaluated 2024-10-15.

Conditions:
PDGFB-related disorder. Also called: PDGFB-related condition.

Allele frequency attached by ClinVar (database versions not stated): 1000 Genomes Project 30x 0.00016; ExAC 0.00017; 1000 Genomes Project 0.00020; ESP Exome Variant Server 0.00031.
gnomAD v4.1: 554 of 1,612,800 alleles (0.034%); highest among the groups gnomAD compares: Non-Finnish European, 0.044%; 1 homozygote.

Submissions (3):

Mayo Clinic Laboratories, Mayo Clinic
Classification: Likely benign. Last evaluated: 2024-10-15. Review status: criteria provided, single submitter. Criteria: ACMG Guidelines, 2015. Collection method: clinical testing. Allele origin: germline. Observed: 1 variant allele.
Comment: BS2

Blueprint Genetics
Classification: Likely benign. Last evaluated: 2024-02-15. Review status: criteria provided, single submitter. Criteria: ACMG Guidelines, 2015. Collection method: clinical testing. Allele origin: germline.

PreventionGenetics, part of Exact Sciences
Classification: Likely benign for PDGFB-related condition. Last evaluated: 2022-11-21. Review status: no assertion criteria provided. Collection method: clinical testing. Allele origin: germline. Not counted in ClinVar's aggregate classification.
Comment: This variant is classified as likely benign based on ACMG/AMP sequence variant interpretation guidelines (Richards et al. 2015 PMID: 25741868, with internal and published modifications).

NM_002608.4(PDGFB):c.*7C>T

Gene: PDGFB (platelet derived growth factor subunit B; minus strand). Cytogenetic location: 22q13.1.
Variant type: single nucleotide variant.
Coding change: c.*7C>T on transcript NM_002608.4 (MANE Select); 7 bases downstream of the stop codon, C replaced by T.
Molecular consequence: 3 prime UTR variant.
Genome position (GRCh38, 1-based): chr22:39,225,716, G>A on the plus strand (C>T on the coding strand, the complement: PDGFB is on the minus strand). VCF-style: chr22-39225716-G-A. GRCh37 (hg19) VCF-style: chr22-39621721-G-A.
Other names: c.*7C>T (NM_033016.3).
Identifiers: ClinVar variation 3048695 (VCV003048695.4), dbSNP rs371093482, ClinGen allele CA10240002.